The following is an entry in ClinVar:

ClinVar aggregate classification (germline): Uncertain significance (1 of 4 stars; one submission).

Conditions:
Hereditary cancer-predisposing syndrome. Also called: Tumor predisposition; Hereditary Cancer Syndrome; Hereditary neoplastic syndrome; Neoplastic Syndromes, Hereditary. Identifiers: Orphanet 140162, MedGen C0027672, MeSH D009386, MONDO:0015356.

Submission:

Ambry Genetics
Classification: Uncertain significance for Hereditary cancer-predisposing syndrome. Last evaluated: 2026-02-16. Review status: criteria provided, single submitter. Criteria: Ambry Variant Classification Scheme 2023. Collection method: clinical testing. Allele origin: germline.
Comment: The c.845+4_845+5delAG intronic variant, located in intron 7 of the MRE11A gene, results from a deletion of two nucleotides within intron 7 of the MRE11A gene. This nucleotide region is well conserved in available vertebrate species. In silico splice site analysis predicts that this alteration will weaken the native splice donor site. Based on the available evidence, the clinical significance of this variant remains unclear.

NM_005591.4(MRE11):c.845+4_845+5del

Gene: MRE11 (MRE11 double strand break repair nuclease; minus strand). Cytogenetic location: 11q21.
Variant type: Deletion.
Coding change: c.845+4_845+5del on transcript NM_005591.4 (MANE Select); bases 4 to 5 of the intron after coding-DNA position 845, 2 bases deleted (AG; older notation c.845+4_845+5delAG).
Molecular consequence: intron variant.
Genome position (GRCh38, 1-based): chr11:94,471,569-94,471,570, CT deleted on the plus strand (AG on the coding strand, the reverse complement: MRE11 is on the minus strand); deleting any 2 consecutive bases within chr11:94,471,569-94,471,571 gives the same sequence; the c. name uses the placement nearest the transcript's 3' end. VCF-style (leftmost placement, unchanged base first): chr11-94471568-ACT-A. GRCh37 (hg19) VCF-style: chr11-94204734-ACT-A.
Other names: c.845+4_845+5del (NM_001330347.2, NM_005590.4).
Identifiers: ClinVar variation 1800324 (VCV001800324.3), dbSNP rs2496493711, ClinGen allele CA2580085063.